The following is an entry in ClinVar:

ClinVar aggregate classification (germline): Pathogenic (1 of 4 stars; one submission).

Submission:

ISCA Site 6
Classification: Pathogenic. Last evaluated: 2011-08-12. Review status: criteria provided, single submitter. Criteria: Kaminsky et al. (Genet Med. 2011). Collection method: clinical testing. Allele origin: unknown. Affected: yes. Observed: 1 variant allele.
Comment: Copy number variation identified through the course of routine clinical cytogenomic testing in postnatal populations. Clinical assertions have been curated as described in Kaminsky et al. 2011.

GRCh38/hg38 9p23-21.1(chr9:9543538-30266463)x3

Genes: ACER2 (alkaline ceramidase 2; plus strand), ADAMTSL1 (ADAMTS like 1; plus strand), BNC2 (basonuclin zinc finger protein 2; minus strand), BNC2-AS1 (BNC2 antisense RNA 1; plus strand), C9orf72 (C9orf72-SMCR8 complex subunit; minus strand) and 242 more. Cytogenetic location: 9p23-21.1.
Variant type: copy number gain.
Change: copy number 3 (three copies instead of two) of chr9:9,543,538-30,266,463 (20.72 Mb, GRCh38 coordinates, 1-based), cytogenetic band 9p23-21.1.
Identifiers: ClinVar variation 59878 (VCV000059878.2).